The following is an entry in ClinVar:

ClinVar aggregate classification (germline): Conflicting classifications of pathogenicity. Review status: criteria provided, conflicting classifications (1 of 4 stars). 4 submissions from 4 submitters: Uncertain significance (3); Likely benign (1). Last evaluated 2025-11-18.

Allele frequency attached by ClinVar (database versions not stated): ExAC 0.00004; gnomAD 0.00008; gnomAD exomes 0.00008; TOPMed 0.00009.
gnomAD v4.1: 130 of 1,613,852 alleles (0.0081%); highest among the groups gnomAD compares: Non-Finnish European, 0.0095%; no homozygotes.

Submissions (4):

Labcorp Genetics (formerly Invitae), Labcorp
Classification: Likely benign. Last evaluated: 2025-11-18. Review status: criteria provided, single submitter. Criteria: Invitae Variant Classification Sherloc (09022015). Collection method: clinical testing. Allele origin: germline.

ARUP Laboratories, Molecular Genetics and Genomics, ARUP Laboratories
Classification: Uncertain significance. Last evaluated: 2025-04-16. Review status: criteria provided, single submitter. Criteria: ARUP Molecular Germline Variant Investigation Process 2024. Collection method: clinical testing. Allele origin: germline.
Comment: The SLC4A1 c.1031G>A; p.Arg344Gln variant (rs767916903), to our knowledge, is not reported in the medical literature but is reported in ClinVar (Variation ID: 1983529). This variant is found predominantly in the non-Finnish European population with an allele frequency of 0.01% (18/129108 alleles) in the Genome Aggregation Database (v2.1.1). Computational analyses are uncertain whether this variant is neutral or deleterious (REVEL: 0.3). Due to limited information, the clinical significance of this variant is uncertain at this time.

Revvity Omics, Revvity
Classification: Uncertain significance. Last evaluated: 2024-12-02. Review status: criteria provided, single submitter. Criteria: ACMG Guidelines, 2015. Collection method: clinical testing. Allele origin: germline.

Blueprint Genetics
Classification: Uncertain significance. Last evaluated: 2024-11-07. Review status: criteria provided, single submitter. Criteria: ACMG Guidelines, 2015. Collection method: clinical testing. Allele origin: germline.

NM_000342.4(SLC4A1):c.1031G>A (p.Arg344Gln)

Gene: SLC4A1 (solute carrier family 4 member 1 (Diego blood group); minus strand). Cytogenetic location: 17q21.31.
Variant type: single nucleotide variant.
Coding change: c.1031G>A on transcript NM_000342.4 (MANE Select); coding-DNA position 1031, G replaced by A.
Protein change: p.Arg344Gln; replaces arginine 344 with glutamine.
Molecular consequence: missense variant.
Genome position (GRCh38, 1-based): chr17:44,258,469, C>T on the plus strand (G>A on the coding strand, the complement: SLC4A1 is on the minus strand). VCF-style: chr17-44258469-C-T. GRCh37 (hg19) VCF-style: chr17-42335837-C-T.
Other names: short protein forms R344Q.
Identifiers: ClinVar variation 1983529 (VCV001983529.7), dbSNP rs767916903, ClinGen allele CA8600399.